The following is an entry in ClinVar:

NM_004006.3(DMD):c.4845+7C>T

Gene: DMD (dystrophin; minus strand). Cytogenetic location: Xp21.1.
Variant type: single nucleotide variant.
Coding change: c.4845+7C>T on transcript NM_004006.3 (MANE Select); 7 bases into the intron after coding-DNA position 4845, C replaced by T.
Molecular consequence: intron variant.
Genome position (GRCh38, 1-based): chrX:32,380,503, G>A on the plus strand (C>T on the coding strand, the complement: DMD is on the minus strand). VCF-style: chrX-32380503-G-A. GRCh37 (hg19) VCF-style: chrX-32398620-G-A.
Other names: c.4821+7C>T (NM_000109.4); c.822+7C>T (NM_004011.4); c.813+7C>T (NM_004012.4); c.4833+7C>T (NM_004009.3); c.4476+7C>T (NM_004010.3).
Identifiers: ClinVar variation 526108 (VCV000526108.13), dbSNP rs764100658, ClinGen allele CA10378859.
Genomic context (GRCh38, chrX:32,380,503, plus strand): 5'-TCCTTACAAAATCATATTATGTGTTTTCACGTATGTTCAAAATAACCTTCAGTGATATAG[G>A]TTTTACCTTTCCCCAGGCAACTTCAGAATCCAAATTACTAGGCATTCCTTCAACTGCTGA-3'

ClinVar aggregate classification (germline): Likely benign. Review status: criteria provided, multiple submitters, no conflicts (2 of 4 stars). 3 submissions from 3 submitters: Likely benign (2). 1 of the submissions does not count toward it. Last evaluated 2026-07-01.

Conditions:
Cardiomyopathy (CMYO). Also called: Cardiomyopathies. Identifiers: Orphanet 167848, MedGen C0878544, MONDO:0004994, HP:0001638. Inheritance: Various modes of inheritance.
Dystrophin deficiency.
Duchenne muscular dystrophy (DMD). Also called: Duchenne Muscular Dystrophy (DMD); MUSCULAR DYSTROPHY, PSEUDOHYPERTROPHIC PROGRESSIVE, DUCHENNE TYPE. Identifiers: Orphanet 98896, MedGen C0013264, MONDO:0010679, OMIM 310200.
Becker muscular dystrophy (BMD). Also called: MUSCULAR DYSTROPHY, PSEUDOHYPERTROPHIC PROGRESSIVE, BECKER TYPE; Becker Muscular Dystrophy (BMD). Identifiers: Orphanet 98895, MedGen C0917713, MONDO:0010311, OMIM 300376.

Allele frequency attached by ClinVar (database versions not stated): ExAC 0.00001; gnomAD 0.00001; gnomAD exomes 0.00001; TOPMed 0.00003.
gnomAD v4.1: 6 of 1,206,153 alleles (0.0005%); highest among the groups gnomAD compares: African/African-American, 0.0018%; no homozygotes.

Submissions (3):

CeGaT Center for Human Genetics Tuebingen
Classification: Likely benign. Last evaluated: 2026-07-01. Review status: criteria provided, single submitter. Criteria: CeGaT Center For Human Genetics Tuebingen Variant Classification Criteria Version 2. Collection method: clinical testing. Allele origin: germline. Affected: yes. Observed: 1 variant allele.
Comment: DMD: BP4, BS2

Labcorp Genetics (formerly Invitae), Labcorp
Classification: Likely benign for Duchenne muscular dystrophy. Last evaluated: 2023-11-09. Review status: criteria provided, single submitter. Criteria: Invitae Variant Classification Sherloc (09022015). Collection method: clinical testing. Allele origin: germline.

Natera, Inc.
Classification: Likely benign for Becker muscular dystrophy; Cardiomyopathy; Duchenne muscular dystrophy; Dystrophin deficiency. Last evaluated: 2018-05-29. Review status: no assertion criteria provided. Collection method: clinical testing. Allele origin: germline. Not counted in ClinVar's aggregate classification.